The following is an entry in ClinVar:

ClinVar aggregate classification (germline): Pathogenic. Review status: criteria provided, single submitter (1 of 4 stars). 2 submissions from 2 submitters: Pathogenic (1). 1 of the submissions does not count toward it. Last evaluated 2021-07-08.

Conditions:
Bainbridge-Ropers syndrome. Also called: Severe feeding difficulties-failure to thrive-microcephaly due to ASXL3 deficiency syndrome. Identifiers: Orphanet 352577, MedGen C4750837, MONDO:0014205, OMIM 615485.

Submissions (2):

Pittsburgh Clinical Genomics Laboratory, University of Pittsburgh Medical Center
Classification: Pathogenic for Bainbridge-Ropers syndrome. Last evaluated: 2021-07-08. Review status: criteria provided, single submitter. Criteria: ACMG Guidelines, 2015. Collection method: clinical testing. Allele origin: germline. Inheritance: Autosomal dominant inheritance. Affected: yes.
Comment: This sequence variant is a single nucleotide substitution (C>T) that results in an early termition codon in exon 11 of 12. This variant is expected to result in a loss of ASXL3 expression due to nonsense mediated decay (NMD). This variant is absent from control population datasets (gnomAD database, 0 of approximately 240,000 alleles) and online databases of clinically annotated variants (ClinVar). To our knowledge, this variant has not been observed in publications in individuals with ASXL3 related disease, and studies assessing the effect of this variant on ASXL3 function have not been published. However, several loss of function variants located more 3' in the gene have been reported as pathogenic in ClinVar and/or have been identified in individuals with ASXL3-related disease (PMIDs: 27901041, 33242595). Based on this evidence, we consider this variant to be pathogenic. ACMG Criteria: PM2, PS2, PVS1

Clinical Laboratory Sciences Program (CLSP), King Saud bin Abdulaziz University for Health Sciences (KSAU-HS)
Classification: Likely pathogenic for Bainbridge-Ropers syndrome. Last evaluated: 2023-04-01. Review status: no assertion criteria provided. Collection method: clinical testing. Allele origin: germline. Affected: yes. Not counted in ClinVar's aggregate classification.

Literature cited by the submitters: PubMed 33242595 (cited by Pittsburgh Clinical Genomics Laboratory, University of Pittsburgh Medical Center); PubMed 27901041 (cited by Pittsburgh Clinical Genomics Laboratory, University of Pittsburgh Medical Center).

NM_030632.3(ASXL3):c.1579C>T (p.Gln527Ter)

Gene: ASXL3 (ASXL transcriptional regulator 3; plus strand). Cytogenetic location: 18q12.1.
Variant type: single nucleotide variant.
Coding change: c.1579C>T on transcript NM_030632.3 (MANE Select); coding-DNA position 1579, C replaced by T.
Protein change: p.Gln527Ter; replaces glutamine 527 with a stop codon.
Molecular consequence: nonsense.
Genome position (GRCh38, 1-based): chr18:33,738,983, C>T. VCF-style: chr18-33738983-C-T. GRCh37 (hg19) VCF-style: chr18-31318947-C-T.
Other names: short protein forms Q527*.
Identifiers: ClinVar variation 2503411 (VCV002503411.2), dbSNP rs2510916984, ClinGen allele CA402175888.